The following is an entry in ClinVar:

ClinVar aggregate classification (germline): Pathogenic/Likely pathogenic. Review status: criteria provided, multiple submitters, no conflicts (2 of 4 stars). 4 submissions from 4 submitters: Pathogenic (1); Likely pathogenic (1). 2 of the submissions do not count toward it. Last evaluated 2024-08-04.

Conditions:
Congenital myotonia, autosomal dominant form (THD). Also called: Myotonia congenita autosomal dominant; THOMSEN DISEASE. Identifiers: Orphanet 614, MedGen C2936781, MONDO:0008055, OMIM 160800.
Congenital myotonia, autosomal recessive form. Also called: BECKER DISEASE; Becker Generalized Myotonia; myotonia congenita, autosomal recessive. Identifiers: Orphanet 614, MedGen C0751360, MONDO:0009715, OMIM 255700.
Batten-Turner congenital myopathy. Also called: Congenital myotonia; Myotonia congenita. Identifiers: Orphanet 206973, MedGen C0027127, MONDO:0100468, OMIM 255300.

Allele frequency attached by ClinVar (database versions not stated): gnomAD exomes below 0.00001.

Submissions (4):

Revvity Omics, Revvity
Classification: Pathogenic. Last evaluated: 2024-08-04. Review status: criteria provided, single submitter. Criteria: ACMG Guidelines, 2015. Collection method: clinical testing. Allele origin: germline.

Labcorp Genetics (formerly Invitae), Labcorp
Classification: Likely pathogenic for Congenital myotonia, autosomal recessive form; Congenital myotonia, autosomal dominant form. Last evaluated: 2021-09-29. Review status: criteria provided, single submitter. Criteria: Invitae Variant Classification Sherloc (09022015). Collection method: clinical testing. Allele origin: germline.
Comment: Experimental studies have shown that this missense change affects CLCN1 function (PMID: 14639587). This variant disrupts the p.Met128 amino acid residue in CLCN1. Other variant(s) that disrupt this residue have been observed in individuals with CLCN1-related conditions (PMID: 19949657, 23113340, 24625573), which suggests that this may be a clinically significant amino acid residue. In summary, the currently available evidence indicates that the variant is pathogenic, but additional data are needed to prove that conclusively. Therefore, this variant has been classified as Likely Pathogenic. Algorithms developed to predict the effect of missense changes on protein structure and function are either unavailable or do not agree on the potential impact of this missense change (SIFT: "Deleterious"; PolyPhen-2: "Benign"; Align-GVGD: "Class C0"). This sequence change replaces methionine with valine at codon 128 of the CLCN1 protein (p.Met128Val). The methionine residue is highly conserved and there is a small physicochemical difference between methionine and valine. This variant is not present in population databases (ExAC no frequency). This missense change has been observed in individual(s) with autosomal dominant myotonia congenita (PMID: 12661046, 14639587). It has also been observed to segregate with disease in related individuals. ClinVar contains an entry for this variant (Variation ID: 17546).

OMIM
Classification: Pathogenic for MYOTONIA CONGENITA, AUTOSOMAL DOMINANT. Last evaluated: 2003-04-01. Review status: no assertion criteria provided. Collection method: literature only. Allele origin: germline. Not counted in ClinVar's aggregate classification.

GeneReviews
No classification provided. Condition: Batten-Turner congenital myopathy. Review status: no classification provided. Collection method: literature only. Allele origin: unknown. Not counted in ClinVar's aggregate classification.

Literature cited by the submitters: PubMed 14639587 (cited by Labcorp Genetics (formerly Invitae), Labcorp); PubMed 19949657 (cited by Labcorp Genetics (formerly Invitae), Labcorp); PubMed 23113340 (cited by Labcorp Genetics (formerly Invitae), Labcorp); PubMed 24625573 (cited by Labcorp Genetics (formerly Invitae), Labcorp); PubMed 12661046 (cited by 3 submitters); PubMed 20301529 (cited by GeneReviews); NCBI Bookshelf NBK1355 (cited by GeneReviews).

NM_000083.3(CLCN1):c.382A>G (p.Met128Val)

Gene: CLCN1 (chloride voltage-gated channel 1; plus strand). Cytogenetic location: 7q34.
Variant type: single nucleotide variant.
Coding change: c.382A>G on transcript NM_000083.3 (MANE Select); coding-DNA position 382, A replaced by G.
Protein change: p.Met128Val; replaces methionine 128 with valine.
Molecular consequence: missense variant. On other transcripts: non-coding transcript variant (1).
Genome position (GRCh38, 1-based): chr7:143,320,744, A>G. VCF-style: chr7-143320744-A-G. GRCh37 (hg19) VCF-style: chr7-143017837-A-G.
Other names: short protein forms M128V.
Identifiers: ClinVar variation 17546 (VCV000017546.12), dbSNP rs80356699, ClinGen allele CA258030.